The following is an entry in ClinVar:

NM_001145715.3(KPNA7):c.338G>A (p.Gly113Asp)

Gene: KPNA7 (karyopherin subunit alpha 7; minus strand). Cytogenetic location: 7q22.1.
Variant type: single nucleotide variant.
Coding change: c.338G>A on transcript NM_001145715.3 (MANE Select); coding-DNA position 338, G replaced by A.
Protein change: p.Gly113Asp; replaces glycine 113 with aspartic acid.
Molecular consequence: missense variant.
Genome position (GRCh38, 1-based): chr7:99,195,285, C>T on the plus strand (G>A on the coding strand, the complement: KPNA7 is on the minus strand). VCF-style: chr7-99195285-C-T. GRCh37 (hg19) VCF-style: chr7-98792908-C-T.
Other names: short protein forms G113D.
Identifiers: ClinVar variation 646546 (VCV000646546.9), dbSNP rs1584297384, ClinGen allele CA368420773.

ClinVar aggregate classification (germline): Uncertain significance (1 of 4 stars; one submission).

Submission:

Labcorp Genetics (formerly Invitae), Labcorp
Classification: Uncertain significance. Last evaluated: 2020-01-21. Review status: criteria provided, single submitter. Criteria: Invitae Variant Classification Sherloc (09022015). Collection method: clinical testing. Allele origin: germline.
Comment: This variant has not been reported in the literature in individuals with KPNA7-related disease. This sequence change replaces glycine with aspartic acid at codon 113 of the KPNA7 protein (p.Gly113Asp). The glycine residue is highly conserved and there is a moderate physicochemical difference between glycine and aspartic acid. This variant is not present in population databases (ExAC no frequency). Algorithms developed to predict the effect of missense changes on protein structure and function (SIFT, PolyPhen-2, Align-GVGD) all suggest that this variant is likely to be disruptive, but these predictions have not been confirmed by published functional studies and their clinical significance is uncertain. In summary, the available evidence is currently insufficient to determine the role of this variant in disease. Therefore, it has been classified as a Variant of Uncertain Significance.